The following is an entry in ClinVar:

NM_001271.4(CHD2):c.3898G>C (p.Glu1300Gln)

Gene: CHD2 (chromodomain helicase DNA binding protein 2; plus strand). Cytogenetic location: 15q26.1.
Variant type: single nucleotide variant.
Coding change: c.3898G>C on transcript NM_001271.4 (MANE Select); coding-DNA position 3898, G replaced by C.
Protein change: p.Glu1300Gln; replaces glutamic acid 1300 with glutamine.
Molecular consequence: missense variant.
Genome position (GRCh38, 1-based): chr15:92,998,511, G>C. VCF-style: chr15-92998511-G-C. GRCh37 (hg19) VCF-style: chr15-93541741-G-C.
Other names: short protein forms E1300Q.
Identifiers: ClinVar variation 420247 (VCV000420247.2), dbSNP rs778616562, ClinGen allele CA7748321.

ClinVar aggregate classification (germline): Uncertain significance (1 of 4 stars; one submission).

Allele frequency attached by ClinVar (database versions not stated): gnomAD exomes below 0.00001 and 0.00001; gnomAD 0.00001; TOPMed 0.00001; ExAC 0.00002.
gnomAD v4.1: 2 of 1,613,868 alleles (0.00012%); highest among the groups gnomAD compares: African/African-American, 0.0027%; no homozygotes.

Submission:

GeneDx
Classification: Uncertain significance. Last evaluated: 2018-04-23. Review status: criteria provided, single submitter. Criteria: GeneDx Variant Classification (06012015). Collection method: clinical testing. Allele origin: germline. Affected: yes.
Comment: The E1300Q variant in the CHD2 gene has not been reported previously as a pathogenic variant, noras a benign variant, to our knowledge. This variant was not observed in approximately 6500individuals of European and African American ancestry in the NHLBI Exome Sequencing Project,indicating it is not a common benign variant in these populations. The E1300Q variant is asemi-conservative amino acid substitution, which may impact secondary protein structure as theseresidues differ in some properties. This substitution occurs at a position where amino acids with similarproperties to Glutamic Acid are tolerated across species. In silico analysis is inconsistent in itspredictions as to whether or not the variant is damaging to the protein structure/function. Weinterpret E1300Q as a variant of uncertain significance.